The following is an entry in ClinVar:

NM_000321.3(RB1):c.2353A>G (p.Ile785Val)

Gene: RB1 (RB transcriptional corepressor 1; plus strand). Cytogenetic location: 13q14.2.
Variant type: single nucleotide variant.
Coding change: c.2353A>G on transcript NM_000321.3 (MANE Select); coding-DNA position 2353, A replaced by G.
Protein change: p.Ile785Val; replaces isoleucine 785 with valine.
Molecular consequence: missense variant.
Genome position (GRCh38, 1-based): chr13:48,465,232, A>G. VCF-style: chr13-48465232-A-G. GRCh37 (hg19) VCF-style: chr13-49039368-A-G.
Other names: short protein forms I785V.
Identifiers: ClinVar variation 1057178 (VCV001057178.9), dbSNP rs2138345573, ClinGen allele CA388167806.

ClinVar aggregate classification (germline): Uncertain significance (1 of 4 stars; one submission).

Conditions:
Retinoblastoma (RB1). Also called: RETINOBLASTOMA, SOMATIC. Identifiers: Orphanet 790, MedGen C0035335, MeSH D012175, MONDO:0008380, OMIM 180200, HP:0009919. Disease mechanism: loss of function. Inheritance: Both sporadic and heritable forms are tested..

Submission:

Labcorp Genetics (formerly Invitae), Labcorp
Classification: Uncertain significance for Retinoblastoma. Last evaluated: 2020-07-27. Review status: criteria provided, single submitter. Criteria: Invitae Variant Classification Sherloc (09022015). Collection method: clinical testing. Allele origin: germline.
Comment: In summary, the available evidence is currently insufficient to determine the role of this variant in disease. Therefore, it has been classified as a Variant of Uncertain Significance. Algorithms developed to predict the effect of missense changes on protein structure and function are either unavailable or do not agree on the potential impact of this missense change (SIFT: "Deleterious"; PolyPhen-2: "Benign"; Align-GVGD: "Class C25"). This variant has not been reported in the literature in individuals with RB1-related conditions. This variant is not present in population databases (ExAC no frequency). This sequence change replaces isoleucine with valine at codon 785 of the RB1 protein (p.Ile785Val). The isoleucine residue is highly conserved and there is a small physicochemical difference between isoleucine and valine.